The following is an entry in ClinVar:

ClinVar aggregate classification (germline): Pathogenic (1 of 4 stars; one submission).

Submission:

Clinical Genomics Laboratory, Laboratory for Precision Diagnostics, University of Washington
Classification: Pathogenic. Last evaluated: 2025-06-12. Review status: criteria provided, single submitter. Criteria: ACMG/ClinGen CNV Guidelines, 2019. Collection method: clinical testing. Allele origin: unknown. Affected: yes. Observed: 1 variant allele.
Comment: This interstitial heterozygous deletion of Xp11.23p11.22 is approximately 4.2 Mb in size and contains 70 protein-coding genes, many of which are associated with health problems. Loss of function variants in four genes within this deletion (PORCN, EBP, SLC35A2, and WDR45) are each thought to be lethal in embryos with XY sex chromosomes. Four other people, all with XX sex chromosomes, have been reported in the medical literature and the ClinVar public database who have a similar deletion. One had global developmental delay (ClinVar VCV000149048.2). No information about health was available for one (ClinVar VCV000564842.1). The deletion was also present in the patient's mother, who had no health problems.

Literature cited by the submitters: PubMed 39090138.

GRCh38/hg38 Xp11.23-11.22(chrX:48428829-52663420)x1

Genes: GAGE12J (G antigen 12J; plus strand), MAGIX (MAGI family member, X-linked; plus strand), XAGE1A (X antigen family member 1A; plus strand), XAGE1B (X antigen family member 1B; minus strand), XAGE2 (X antigen family member 2; plus strand) and 193 more. Cytogenetic location: Xp11.23-11.22.
Variant type: copy number loss.
Change: copy number 1 of chrX:48,428,829-52,663,420 (4.23 Mb, GRCh38 coordinates, 1-based), cytogenetic band Xp11.23-11.22.
Identifiers: ClinVar variation 5038300 (VCV005038300.1).